The following is an entry in ClinVar:

NM_003722.5(TP63):c.63-1G>C

Gene: TP63 (tumor protein p63; plus strand). Cytogenetic location: 3q28.
Variant type: single nucleotide variant.
Coding change: c.63-1G>C on transcript NM_003722.5 (MANE Select); the canonical splice acceptor site of the intron before coding-DNA position 63, G replaced by C.
Molecular consequence: splice acceptor variant.
Genome position (GRCh38, 1-based): chr3:189,737,739, G>C. VCF-style: chr3-189737739-G-C. GRCh37 (hg19) VCF-style: chr3-189455528-G-C.
Other names: c.57-1G>C (NM_001329964.2); c.63-1G>C (NM_001114978.2, NM_001329144.2, NM_001329148.2 and 1 more transcripts).
Identifiers: ClinVar variation 632415 (VCV000632415.9), dbSNP rs200607940, ClinGen allele CA2752018.
Genomic context (GRCh38, chr3:189,737,739, plus strand): 5'-TAAATATTCAGTGTCATAAATACAGAAAGTATAATACTAGTTTCATTTTTGTCCTTTTAA[G>C]TTTCGTAGAAACCCCAGCTCATTTCTCTTGGAAAGAAAGTTATTACCGATCCACCATGTC-3'

ClinVar aggregate classification (germline): Likely benign. Review status: criteria provided, multiple submitters, no conflicts (2 of 4 stars). 3 submissions from 2 submitters: Likely benign (3). Last evaluated 2024-05-20.

Conditions:
TP63-Related Spectrum Disorders.
Ectrodactyly, ectodermal dysplasia, and cleft lip-palate syndrome 3. Also called: Ectrodactyly, Ectodermal Dysplasia, Clefting Syndrome Type 3 (EEC3); Ectrodactyly, Ectodermal Dysplasia, Cleft Lip/Palate Syndrome 3 (EEC3); EEC SYNDROME 3; Ectrodactyly, Ectodermal Dysplasia, Clefting Syndrome. Identifiers: Orphanet 1896, MedGen C1858562, MONDO:0011428, OMIM 604292.

Allele frequency attached by ClinVar (database versions not stated): ExAC 0.00002; TOPMed 0.00002; gnomAD 0.00003 and 0.00004; gnomAD exomes 0.00006.
gnomAD v4.1: 57 of 1,613,576 alleles (0.0035%); highest among the groups gnomAD compares: Non-Finnish European, 0.00051%; no homozygotes.

Submissions (3):

Labcorp Genetics (formerly Invitae), Labcorp
Classification: Likely benign. Last evaluated: 2024-05-20. Review status: criteria provided, single submitter. Criteria: Invitae Variant Classification Sherloc (09022015). Collection method: clinical testing. Allele origin: germline.

Illumina Laboratory Services, Illumina
Classification: Likely benign for Ectrodactyly, ectodermal dysplasia, and cleft lip-palate syndrome 3. Last evaluated: 2019-01-12. Review status: criteria provided, single submitter. Criteria: ICSL Variant Classification Criteria 13 December 2019. Collection method: clinical testing. Allele origin: germline.
Comment: This variant was observed in the ICSL laboratory as part of a predisposition screen in an ostensibly healthy population. It had not been previously curated by ICSL or reported in the Human Gene Mutation Database (HGMD: prior to June 1st, 2018), and was therefore a candidate for classification through an automated scoring system. Utilizing variant allele frequency, disease prevalence and penetrance estimates, and inheritance mode, an automated score was calculated to assess if this variant is too frequent to cause the disease. Based on the score and internal cut-off values, a variant classified as likely benign is not then subjected to further curation. The score for this variant resulted in a classification of likely benign for this disease.

Illumina Laboratory Services, Illumina
Classification: Likely benign for TP63-Related Spectrum Disorders. Last evaluated: 2019-01-12. Review status: criteria provided, single submitter. Criteria: ICSL Variant Classification Criteria 13 December 2019. Collection method: clinical testing. Allele origin: germline.
Comment: the same text as in the submission from Illumina Laboratory Services, Illumina above.